The following is an entry in ClinVar:

ClinVar aggregate classification (germline): Likely benign (0 of 4 stars; one submission).

Conditions:
GATA4-related disorder. Also called: GATA4-related condition. Identifiers: MedGen CN860321.

Allele frequency attached by ClinVar (database versions not stated): gnomAD 0.00002; TOPMed 0.00006.
gnomAD v4.1: 3 of 152,214 alleles (0.002%); highest among the groups gnomAD compares: African/African-American, 0.0072%; no homozygotes.

Submission:

PreventionGenetics, part of Exact Sciences
Classification: Likely benign for GATA4-related condition. Last evaluated: 2020-04-29. Review status: no assertion criteria provided. Collection method: clinical testing. Allele origin: germline.
Comment: This variant is classified as likely benign based on ACMG/AMP sequence variant interpretation guidelines (Richards et al. 2015 PMID: 25741868, with internal and published modifications).

NC_000008.11:g.11703906G>A

Gene: GATA4 (GATA binding protein 4). Cytogenetic location: 8p23.1.
Variant type: single nucleotide variant.
Molecular consequence: intron variant (on NM_001308094.2).
Genome position: GRCh38 VCF-style: chr8-11703906-G-A. GRCh37 (hg19) VCF-style: chr8-11561415-G-A.
Other names: c.-6+3128G>A (NM_001308094.2).
Identifiers: ClinVar variation 3054605 (VCV003054605.2), dbSNP rs892337662, ClinGen allele CA172070410.